The following is an entry in ClinVar:

ClinVar aggregate classification (germline): Uncertain significance. Review status: criteria provided, multiple submitters, no conflicts (2 of 4 stars). 5 submissions from 5 submitters: Uncertain significance (5). Last evaluated 2026-03-04.

Conditions:
PLEC-related disorder. Also called: PLEC-related condition; PLEC-related disorders.
Epidermolysis bullosa simplex 5B, with muscular dystrophy (EBS5B). Also called: EPIDERMOLYSIS BULLOSA SIMPLEX AND LIMB-GIRDLE MUSCULAR DYSTROPHY; Epidermolysis bullosa simplex with muscular dystrophy. Identifiers: Orphanet 257, MedGen C2931072, MONDO:0009181, OMIM 226670.
Epidermolysis bullosa simplex, Ogna type (EBS5A). Also called: Pidermolysis bullosa simplex 5A, Ogna type; EPIDERMOLYSIS BULLOSA SIMPLEX 5A, OGNA TYPE. Identifiers: Orphanet 79401, MedGen C0432317, MONDO:0007555, OMIM 131950.
Autosomal recessive limb-girdle muscular dystrophy type 2Q (LGMDR17). Also called: MUSCULAR DYSTROPHY, LIMB-GIRDLE, AUTOSOMAL RECESSIVE 17. Identifiers: Orphanet 254361, MedGen C3150989, MONDO:0013390, OMIM 613723.
Epidermolysis bullosa simplex with nail dystrophy (EBS5D). Identifiers: MedGen C4225309, MONDO:0014661, OMIM 616487.
Epidermolysis bullosa simplex 5C, with pyloric atresia (EBS5C). Also called: PLEC-Related Epidermolysis Bullosa with Pyloric Atresia; Epidermolysis bullosa simplex with pyloric atresia; PLEC1-Related Epidermolysis Bullosa with Pyloric Atresia. Identifiers: Orphanet 158684, MedGen C2677349, MONDO:0012807, OMIM 612138.

Allele frequency attached by ClinVar (database versions not stated): ESP Exome Variant Server 0.00008; ExAC 0.00016; gnomAD exomes 0.00016; gnomAD 0.00036; TOPMed 0.00040; 1000 Genomes Project 30x 0.00047; 1000 Genomes Project 0.00060.
gnomAD v4.1: 132 of 1,608,914 alleles (0.0082%); highest among the groups gnomAD compares: African/African-American, 0.084%; no homozygotes.

Submissions (5):

PreventionGenetics, part of Exact Sciences
Classification: Uncertain significance for PLEC-related condition. Last evaluated: 2026-03-04. Review status: criteria provided, single submitter. Criteria: ACMG Guidelines, 2015. Collection method: clinical testing. Allele origin: germline.
Comment: The PLEC c.715C>T variant is predicted to result in the amino acid substitution p.Arg239Trp. To our knowledge, this variant has not been reported in the literature. This variant is reported in 0.10% of alleles in individuals of African descent in gnomAD. Although we suspect that this variant may be benign, at this time, the clinical significance of this variant is uncertain due to the absence of conclusive functional and genetic evidence.

Labcorp Genetics (formerly Invitae), Labcorp
Classification: Uncertain significance for Autosomal recessive limb-girdle muscular dystrophy type 2Q; Epidermolysis bullosa simplex, Ogna type; Epidermolysis bullosa simplex with nail dystrophy; Epidermolysis bullosa simplex 5C, with pyloric atresia; Epidermolysis bullosa simplex 5B, with muscular dystrophy. Last evaluated: 2026-02-02. Review status: criteria provided, single submitter. Criteria: Invitae Variant Classification Sherloc (09022015). Collection method: clinical testing. Allele origin: germline.
Comment: This sequence change replaces arginine, which is basic and polar, with tryptophan, which is neutral and slightly polar, at codon 239 of the PLEC protein (p.Arg239Trp). This variant is present in population databases (rs374195373, gnomAD 0.1%). This variant has not been reported in the literature in individuals affected with PLEC-related conditions. ClinVar contains an entry for this variant (Variation ID: 198634). Experimental studies and prediction algorithms are not available or were not evaluated, and the functional significance of this variant is currently unknown. In summary, the available evidence is currently insufficient to determine the role of this variant in disease. Therefore, it has been classified as a Variant of Uncertain Significance.

Revvity Omics, Revvity
Classification: Uncertain significance. Last evaluated: 2024-03-04. Review status: criteria provided, single submitter. Criteria: ACMG Guidelines, 2015. Collection method: clinical testing. Allele origin: germline.

GeneDx
Classification: Uncertain significance. Last evaluated: 2023-09-23. Review status: criteria provided, single submitter. Criteria: GeneDx Variant Classification Process June 2021. Collection method: clinical testing. Allele origin: germline. Affected: yes.
Comment: Has not been previously published as pathogenic or benign to our knowledge; In silico analysis supports that this missense variant has a deleterious effect on protein structure/function

Eurofins Ntd Llc (ga)
Classification: Uncertain significance. Last evaluated: 2015-05-13. Review status: criteria provided, single submitter. Criteria: EGL Classification Definitions 2015. Collection method: clinical testing. Allele origin: germline. Observed: 2 variant alleles, 2 heterozygotes.

NM_201384.3(PLEC):c.634C>T (p.Arg212Trp)

Gene: PLEC (plectin; minus strand). Cytogenetic location: 8q24.3.
Variant type: single nucleotide variant.
Coding change: c.634C>T on transcript NM_201384.3 (MANE Select); coding-DNA position 634, C replaced by T.
Protein change: p.Arg212Trp; replaces arginine 212 with tryptophan.
Molecular consequence: missense variant.
Genome position (GRCh38, 1-based): chr8:143,935,282, G>A on the plus strand (C>T on the coding strand, the complement: PLEC is on the minus strand). VCF-style: chr8-143935282-G-A. GRCh37 (hg19) VCF-style: chr8-145009450-G-A.
Other names: c.715C>T, p.Arg239Trp (NM_000445.5); c.592C>T, p.Arg198Trp (NM_201378.4); c.568C>T, p.Arg190Trp (NM_201379.3); c.1045C>T, p.Arg349Trp (NM_201380.4); c.538C>T, p.Arg180Trp (NM_201381.3); c.634C>T, p.Arg212Trp (NM_201382.4); c.646C>T, p.Arg216Trp (NM_201383.3); short protein forms R180W, R190W, R198W, R212W, R216W, R239W, R349W.
Identifiers: ClinVar variation 198634 (VCV000198634.18), dbSNP rs374195373, ClinGen allele CA247397.